The following is an entry in ClinVar:

ClinVar aggregate classification (germline): Uncertain significance (1 of 4 stars; one submission).

Submission:

Women's Health and Genetics/Laboratory Corporation of America, LabCorp
Classification: Uncertain significance. Last evaluated: 2025-07-30. Review status: criteria provided, single submitter. Criteria: LabCorp Variant Classification Summary - May 2015. Collection method: clinical testing. Allele origin: germline.
Comment: Variant summary: PMM2 c.683G>T (p.Gly228Val) results in a non-conservative amino acid change in the encoded protein sequence. Algorithms developed to predict the effect of missense changes on protein structure and function all suggest that this variant is likely to be disruptive. The variant was absent in 251274 control chromosomes. To our knowledge, no occurrence of c.683G>T in individuals affected with Congenital Disorder Of Glycosylation Type 1a and no experimental evidence demonstrating its impact on protein function have been reported. Different variants affecting the same codon have been classified as likely pathogenic (p.Gly228Cys,p.Gly228Arg), supporting the critical relevance of codon 228 to PMM2 protein function. No submitters have cited clinical-significance assessments for this variant to ClinVar. Based on the evidence outlined above, the variant was classified as VUS-possibly pathogenic.

NM_000303.3(PMM2):c.683G>T (p.Gly228Val)

Gene: PMM2 (phosphomannomutase 2; plus strand). Cytogenetic location: 16p13.2.
Variant type: single nucleotide variant.
Coding change: c.683G>T on transcript NM_000303.3 (MANE Select); coding-DNA position 683, G replaced by T.
Protein change: p.Gly228Val; replaces glycine 228 with valine.
Molecular consequence: missense variant.
Genome position (GRCh38, 1-based): chr16:8,847,767, G>T. VCF-style: chr16-8847767-G-T. GRCh37 (hg19) VCF-style: chr16-8941624-G-T.
Other names: short protein forms G228V.
Identifiers: ClinVar variation 4525965 (VCV004525965.1).
Genomic context (GRCh38, chr16:8,847,767, plus strand): 5'-ACTTCGTGTCTTTCCAGGGTGGCAATGACCATGAGATCTTCACAGACCCCAGAACCATGG[G>T]CTACTCCGTGACAGCGCCTGAGGACACGCGCAGGATCTGTGAACTGCTGTTCTCCTAACG-3'
Protein context (NP_000294.1, residues 218-238): HEIFTDPRTM[Gly228Val]YSVTAPEDTR